The following is an entry in ClinVar:

ClinVar aggregate classification (germline): Uncertain significance. Review status: criteria provided, multiple submitters, no conflicts (2 of 4 stars). 2 submissions from 2 submitters: Uncertain significance (2). Last evaluated 2025-06-15.

Conditions:
Long QT syndrome (LQTS). Identifiers: MedGen C0023976, MeSH D008133, MONDO:0002442. Disease mechanism: loss of function. Inheritance: Various modes of inheritance.
Cardiovascular phenotype. Identifiers: MedGen CN230736.

Allele frequency attached by ClinVar (database versions not stated): TOPMed below 0.00001; gnomAD 0.00001; gnomAD exomes 0.00002.
gnomAD v4.1: 27 of 1,613,960 alleles (0.0017%); highest among the groups gnomAD compares: Non-Finnish European, 0.0022%; no homozygotes.

Submissions (2):

Labcorp Genetics (formerly Invitae), Labcorp
Classification: Uncertain significance for Long QT syndrome. Last evaluated: 2025-06-15. Review status: criteria provided, single submitter. Criteria: Invitae Variant Classification Sherloc (09022015). Collection method: clinical testing. Allele origin: germline.
Comment: This sequence change replaces arginine, which is basic and polar, with lysine, which is basic and polar, at codon 3590 of the AKAP9 protein (p.Arg3590Lys). This variant is not present in population databases (gnomAD no frequency). This variant has not been reported in the literature in individuals affected with AKAP9-related conditions. ClinVar contains an entry for this variant (Variation ID: 850681). An algorithm developed to predict the effect of missense changes on protein structure and function outputs the following: PolyPhen-2: "Probably Damaging". The lysine amino acid residue is found in multiple mammalian species, which suggests that this missense change does not adversely affect protein function. In summary, the available evidence is currently insufficient to determine the role of this variant in disease. Therefore, it has been classified as a Variant of Uncertain Significance.

Ambry Genetics
Classification: Uncertain significance for Cardiovascular phenotype. Last evaluated: 2024-06-24. Review status: criteria provided, single submitter. Criteria: Ambry Variant Classification Scheme 2023. Collection method: clinical testing. Allele origin: germline.
Comment: The p.R3590K variant (also known as c.10769G>A), located in coding exon 44 of the AKAP9 gene, results from a G to A substitution at nucleotide position 10769. The arginine at codon 3590 is replaced by lysine, an amino acid with highly similar properties. This amino acid position is conserved. In addition, this alteration is predicted to be tolerated by in silico analysis. Based on the available evidence, the clinical significance of this variant remains unclear.

NM_005751.5(AKAP9):c.10769G>A (p.Arg3590Lys)

Gene: AKAP9 (A-kinase anchoring protein 9; plus strand). Cytogenetic location: 7q21.2.
Variant type: single nucleotide variant.
Coding change: c.10769G>A on transcript NM_005751.5 (MANE Select); coding-DNA position 10769, G replaced by A.
Protein change: p.Arg3590Lys; replaces arginine 3590 with lysine.
Molecular consequence: missense variant.
Genome position (GRCh38, 1-based): chr7:92,099,742, G>A. VCF-style: chr7-92099742-G-A. GRCh37 (hg19) VCF-style: chr7-91729056-G-A.
Other names: c.5414G>A, p.Arg1805Lys (NM_001379277.1); c.10745G>A, p.Arg3582Lys (NM_147185.3); short protein forms R3582K, R3590K, R1805K.
Identifiers: ClinVar variation 850681 (VCV000850681.8), dbSNP rs970740445, ClinGen allele CA161898734.